The following is an entry in ClinVar:

ClinVar aggregate classification (germline): Uncertain significance (1 of 4 stars; one submission).

Conditions:
Immunodeficiency 14 (IMD14A). Also called: ACTIVATED PI3K-DELTA SYNDROME 1; Activated PI3K Delta Syndrome Type 1 (APDS1); p110-DELTA-ACTIVATING MUTATION CAUSING SENESCENT T CELLS, LYMPHADENOPATHY, AND IMMUNODEFICIENCY; IMMUNODEFICIENCY 14A WITH LYMPHOPROLIFERATION, AUTOSOMAL DOMINANT. Identifiers: Orphanet 397596, Orphanet 693661, MedGen C5907821, MONDO:0014222, OMIM 615513.

Allele frequency attached by ClinVar (database versions not stated): gnomAD exomes 0.00001.
gnomAD v4.1: 3 of 1,613,838 alleles (0.00019%); highest among the groups gnomAD compares: Non-Finnish European, 0.00025%; no homozygotes.

Submission:

Labcorp Genetics (formerly Invitae), Labcorp
Classification: Uncertain significance for Activated PI3K-delta syndrome. Last evaluated: 2022-02-06. Review status: criteria provided, single submitter. Criteria: Invitae Variant Classification Sherloc (09022015). Collection method: clinical testing. Allele origin: germline.
Comment: In summary, the available evidence is currently insufficient to determine the role of this variant in disease. Therefore, it has been classified as a Variant of Uncertain Significance. Algorithms developed to predict the effect of missense changes on protein structure and function are either unavailable or do not agree on the potential impact of this missense change (SIFT: "Tolerated"; PolyPhen-2: "Possibly Damaging"; Align-GVGD: "Class C0"). This variant has not been reported in the literature in individuals affected with PIK3CD-related conditions. This variant is not present in population databases (gnomAD no frequency). This sequence change replaces serine, which is neutral and polar, with threonine, which is neutral and polar, at codon 1001 of the PIK3CD protein (p.Ser1001Thr).

NM_005026.5(PIK3CD):c.3001T>A (p.Ser1001Thr)

Gene: PIK3CD (phosphatidylinositol-4,5-bisphosphate 3-kinase catalytic subunit delta; plus strand). Cytogenetic location: 1p36.22.
Variant type: single nucleotide variant.
Coding change: c.3001T>A on transcript NM_005026.5 (MANE Select); coding-DNA position 3001, T replaced by A.
Protein change: p.Ser1001Thr; replaces serine 1001 with threonine.
Molecular consequence: missense variant.
Genome position (GRCh38, 1-based): chr1:9,726,912, T>A. VCF-style: chr1-9726912-T-A. GRCh37 (hg19) VCF-style: chr1-9786970-T-A.
Other names: c.2998T>A, p.Ser1000Thr (NM_001350234.2); c.2914T>A, p.Ser972Thr (NM_001350235.1); short protein forms S1000T, S972T, S1001T.
Identifiers: ClinVar variation 1486749 (VCV001486749.6), dbSNP rs2101042359, ClinGen allele CA338308711.
Genomic context (GRCh38, chr1:9,726,912, plus strand): 5'-ATCCCAGAGCAAGGTCCGGGCCCCCTTAACGTGGACACCGCTGTGATTTGTTTGCAGGAC[T>A]CCCTGGCACTGGGGAAAACAGAGGAGGAGGCACTGAAGCACTTCCGAGTGAAGTTTAACG-3'
Protein context (NP_005017.3, residues 991-1011): CSKDIQYLKD[Ser1001Thr]LALGKTEEEA